The following is an entry in ClinVar:

ClinVar aggregate classification (germline): Uncertain significance (1 of 4 stars; one submission).

gnomAD v4.1: 4 of 1,614,152 alleles (0.00025%); highest among the groups gnomAD compares: Non-Finnish European, 0.00034%; no homozygotes.

Submission:

Labcorp Genetics (formerly Invitae), Labcorp
Classification: Uncertain significance. Last evaluated: 2025-04-08. Review status: criteria provided, single submitter. Criteria: Invitae Variant Classification Sherloc (09022015). Collection method: clinical testing. Allele origin: germline.
Comment: This sequence change replaces phenylalanine, which is neutral and non-polar, with leucine, which is neutral and non-polar, at codon 474 of the DEAF1 protein (p.Phe474Leu). This variant is not present in population databases (gnomAD no frequency). This variant has not been reported in the literature in individuals affected with DEAF1-related conditions. Invitae Evidence Modeling of protein sequence and biophysical properties (such as structural, functional, and spatial information, amino acid conservation, physicochemical variation, residue mobility, and thermodynamic stability) indicates that this missense variant is not expected to disrupt DEAF1 protein function with a negative predictive value of 95%. In summary, the available evidence is currently insufficient to determine the role of this variant in disease. Therefore, it has been classified as a Variant of Uncertain Significance.

NM_021008.4(DEAF1):c.1422T>G (p.Phe474Leu)

Genes: DEAF1 (DEAF1 transcription factor; minus strand), LOC126861109 (BRD4-independent group 4 enhancer GRCh37_chr11:673917-675116; plus strand). Cytogenetic location: 11p15.5.
Variant type: single nucleotide variant.
Coding change: c.1422T>G on transcript NM_021008.4 (MANE Select); coding-DNA position 1422, T replaced by G.
Protein change: p.Phe474Leu; replaces phenylalanine 474 with leucine.
Molecular consequence: missense variant.
Genome position (GRCh38, 1-based): chr11:674,617, A>C on the plus strand (T>G on the coding strand, the complement: DEAF1 is on the minus strand). VCF-style: chr11-674617-A-C. GRCh37 (hg19) VCF-style: chr11-674617-A-C.
Other names: c.1155T>G, p.Phe385Leu (NM_001293634.2); c.696T>G, p.Phe232Leu (NM_001367390.1, NM_001440885.1, NM_001440886.1 and 1 more transcripts); c.1422T>G, p.Phe474Leu (NM_001440883.1); c.1293T>G, p.Phe431Leu (NM_001440884.1); short protein forms F232L, F385L, F431L, F474L.
Identifiers: ClinVar variation 4811766 (VCV004811766.1).